The following is an entry in ClinVar:

NM_013275.6(ANKRD11):c.17G>C (p.Cys6Ser)

Gene: ANKRD11 (ankyrin repeat domain 11; minus strand). Cytogenetic location: 16q24.3.
Variant type: single nucleotide variant.
Coding change: c.17G>C on transcript NM_013275.6 (MANE Select); coding-DNA position 17, G replaced by C.
Protein change: p.Cys6Ser; replaces cysteine 6 with serine.
Molecular consequence: missense variant. On other transcripts: non-coding transcript variant (1).
Genome position (GRCh38, 1-based): chr16:89,317,003, C>G on the plus strand (G>C on the coding strand, the complement: ANKRD11 is on the minus strand). VCF-style: chr16-89317003-C-G. GRCh37 (hg19) VCF-style: chr16-89383411-C-G.
Other names: c.17G>C, p.Cys6Ser (NM_001256182.2, NM_001256183.2); short protein forms C6S.
Identifiers: ClinVar variation 3901030 (VCV003901030.1).

ClinVar aggregate classification (germline): Uncertain significance (1 of 4 stars; one submission).

Conditions:
KBG syndrome (KBGS). Also called: ANKRD11-Related KBG Syndrome. Identifiers: Orphanet 2332, MedGen C0220687, MONDO:0007846, OMIM 148050.

gnomAD v4.1: 1 of 1,613,596 alleles (0.000062%); highest among the groups gnomAD compares: South Asian, 0.0011%; no homozygotes.

Submission:

Laboratorio de Genetica e Diagnostico Molecular, Hospital Israelita Albert Einstein
Classification: Uncertain significance for KBG syndrome. Last evaluated: 2024-02-25. Review status: criteria provided, single submitter. Criteria: ACMG Guidelines, 2015. Collection method: clinical testing. Allele origin: germline. Affected: yes.
Comment: ACMG classification criteria: PM2 moderate, BP4 supporting